The following is an entry in ClinVar:

NM_020843.4(SCAPER):c.3269C>T (p.Ser1090Leu)

Genes: SCAPER (S-phase cyclin A associated protein in the ER; minus strand), LOC126862183 (BRD4-independent group 4 enhancer GRCh37_chr15:76726060-76727259; plus strand). Cytogenetic location: 15q24.3.
Variant type: single nucleotide variant.
Coding change: c.3269C>T on transcript NM_020843.4 (MANE Select); coding-DNA position 3269, C replaced by T.
Protein change: p.Ser1090Leu; replaces serine 1090 with leucine.
Molecular consequence: missense variant. On other transcripts: non-coding transcript variant (1).
Genome position (GRCh38, 1-based): chr15:76,434,120, G>A on the plus strand (C>T on the coding strand, the complement: SCAPER is on the minus strand). VCF-style: chr15-76434120-G-A. GRCh37 (hg19) VCF-style: chr15-76726461-G-A.
Other names: c.2531C>T, p.Ser844Leu (NM_001145923.2); c.3287C>T, p.Ser1096Leu (NM_001353009.2); c.2867C>T, p.Ser956Leu (NM_001353010.2, NM_001353012.2); c.2885C>T, p.Ser962Leu (NM_001353011.2); short protein forms S1096L, S844L, S962L, S1090L, S956L.
Identifiers: ClinVar variation 4993811 (VCV004993811.1).

ClinVar aggregate classification (germline): Uncertain significance (1 of 4 stars; one submission).

Conditions:
SCAPER-related disorder. Also called: SCAPER-related condition.

gnomAD v4.1: 1 of 1,613,970 alleles (0.000062%); no homozygotes.

Submission:

PreventionGenetics, part of Exact Sciences
Classification: Uncertain significance for SCAPER-related condition. Last evaluated: 2026-08-11. Review status: criteria provided, single submitter. Criteria: ACMG Guidelines, 2015. Collection method: clinical testing. Allele origin: germline.
Comment: The SCAPER c.3287C>T variant is predicted to result in the amino acid substitution p.Ser1096Leu. To our knowledge, this variant has not been reported in the literature or in a large population database (gnomAD), indicating this variant is rare. At this time, the clinical significance of this variant is uncertain due to the absence of conclusive functional and genetic evidence.